The following is an entry in ClinVar:

NM_015015.3(KDM4B):c.2125G>A (p.Gly709Arg)

Gene: KDM4B (lysine demethylase 4B; plus strand). Cytogenetic location: 19p13.3.
Variant type: single nucleotide variant.
Coding change: c.2125G>A on transcript NM_015015.3 (MANE Select); coding-DNA position 2125, G replaced by A.
Protein change: p.Gly709Arg; replaces glycine 709 with arginine.
Molecular consequence: missense variant.
Genome position (GRCh38, 1-based): chr19:5,135,378, G>A. VCF-style: chr19-5135378-G-A. GRCh37 (hg19) VCF-style: chr19-5135389-G-A.
Other names: c.2227G>A, p.Gly743Arg (NM_001411148.1); short protein forms G709R, G743R.
Identifiers: ClinVar variation 2391710 (VCV002391710.6), dbSNP rs372432575, ClinGen allele CA9108136.

ClinVar aggregate classification (germline): Conflicting classifications of pathogenicity. Review status: criteria provided, conflicting classifications (1 of 4 stars). 2 submissions from 2 submitters: Uncertain significance (1); Likely benign (1). Last evaluated 2026-02-01.

Conditions:
Inborn genetic diseases. Identifiers: MedGen C0950123, MeSH D030342.

Allele frequency attached by ClinVar (database versions not stated): gnomAD 0.00003; TOPMed 0.00004; gnomAD exomes 0.00005; ExAC 0.00009; ESP Exome Variant Server 0.00015.
gnomAD v4.1: 74 of 1,613,378 alleles (0.0046%); highest among the groups gnomAD compares: Middle Eastern, 0.033%; no homozygotes.

Submissions (2):

CeGaT Center for Human Genetics Tuebingen
Classification: Likely benign. Last evaluated: 2026-02-01. Review status: criteria provided, single submitter. Criteria: CeGaT Center For Human Genetics Tuebingen Variant Classification Criteria Version 2. Collection method: clinical testing. Allele origin: germline. Affected: yes. Observed: 1 variant allele.
Comment: KDM4B: BP4, BS2

Ambry Genetics
Classification: Uncertain significance for Inborn genetic diseases. Last evaluated: 2021-06-18. Review status: criteria provided, single submitter. Criteria: Ambry Variant Classification Scheme 2023. Collection method: clinical testing. Allele origin: germline.